The following is an entry in ClinVar:

NM_198576.4(AGRN):c.4612G>T (p.Ala1538Ser)

Gene: AGRN (agrin; plus strand). Cytogenetic location: 1p36.33.
Variant type: single nucleotide variant.
Coding change: c.4612G>T on transcript NM_198576.4 (MANE Select); coding-DNA position 4612, G replaced by T.
Protein change: p.Ala1538Ser; replaces alanine 1538 with serine.
Molecular consequence: missense variant.
Genome position (GRCh38, 1-based): chr1:1,049,663, G>T. VCF-style: chr1-1049663-G-T. GRCh37 (hg19) VCF-style: chr1-985043-G-T.
Other names: c.4612G>T, p.Ala1538Ser (NM_001305275.2); c.4297G>T, p.Ala1433Ser (NM_001364727.2); short protein forms A1538S, A1433S.
Identifiers: ClinVar variation 474135 (VCV000474135.9), dbSNP rs775550619, ClinGen allele CA509550.

ClinVar aggregate classification (germline): Uncertain significance. Review status: criteria provided, multiple submitters, no conflicts (2 of 4 stars). 2 submissions from 2 submitters: Uncertain significance (2). Last evaluated 2023-12-21.

Conditions:
Congenital myasthenic syndrome 8. Also called: Myasthenic syndrome, congenital, 8, with pre- and postsynaptic defects; MYASTHENIC SYNDROME, CONGENITAL, DUE TO AGRIN DEFICIENCY. Identifiers: Orphanet 590, MedGen C3808739, MONDO:0014052, OMIM 615120.
Inborn genetic diseases. Identifiers: MedGen C0950123, MeSH D030342.

Allele frequency attached by ClinVar (database versions not stated): gnomAD 0.00001; ExAC 0.00003; gnomAD exomes 0.00001.
gnomAD v4.1: 3 of 1,578,676 alleles (0.00019%); highest among the groups gnomAD compares: African/African-American, 0.004%; no homozygotes.

Submissions (2):

Ambry Genetics
Classification: Uncertain significance for Inborn genetic diseases. Last evaluated: 2023-12-21. Review status: criteria provided, single submitter. Criteria: Ambry Variant Classification Scheme 2023. Collection method: clinical testing. Allele origin: germline.

Labcorp Genetics (formerly Invitae), Labcorp
Classification: Uncertain significance for Congenital myasthenic syndrome 8. Last evaluated: 2017-05-17. Review status: criteria provided, single submitter. Criteria: Invitae Variant Classification Sherloc (09022015). Collection method: clinical testing. Allele origin: germline.
Comment: This sequence change replaces alanine with serine at codon 1538 of the AGRN protein (p.Ala1538Ser). The alanine residue is moderately conserved and there is a moderate physicochemical difference between alanine and serine. The frequency data for this variant (rs775550619) in the population databases is unreliable, as metrics indicate poor quality at this position in the ExAC database. This variant has not been reported in the literature in individuals with an AGRN-related disease. Algorithms developed to predict the effect of missense changes on protein structure and function output the following: SIFT: "Tolerated"; PolyPhen-2: "Benign"; Align-GVGD: "Class C0". The serine amino acid residue is found in multiple mammalian species, suggesting that this missense change does not adversely affect protein function. These predictions have not been confirmed by published functional studies. In summary, this variant is a novel missense change that is not predicted to affect protein function. There is no indication that it causes disease, but the available evidence is currently insufficient to prove that conclusively. Therefore, it has been classified as a Variant of Uncertain Significance.